The following is an entry in ClinVar:

NM_021815.5(SLC5A7):c.1184T>C (p.Met395Thr)

Gene: SLC5A7 (solute carrier family 5 member 7; plus strand). Cytogenetic location: 2q12.3.
Variant type: single nucleotide variant.
Coding change: c.1184T>C on transcript NM_021815.5 (MANE Select); coding-DNA position 1184, T replaced by C.
Protein change: p.Met395Thr; replaces methionine 395 with threonine.
Molecular consequence: missense variant.
Genome position (GRCh38, 1-based): chr2:108,010,302, T>C. VCF-style: chr2-108010302-T-C. GRCh37 (hg19) VCF-style: chr2-108626758-T-C.
Other names: c.1184T>C, p.Met395Thr (NM_001305005.3); c.869T>C, p.Met290Thr (NM_001305006.3); c.443T>C, p.Met148Thr (NM_001305007.3); short protein forms M148T, M290T, M395T.
Identifiers: ClinVar variation 1039657 (VCV001039657.5), dbSNP rs556748289, ClinGen allele CA1819144.

ClinVar aggregate classification (germline): Uncertain significance (1 of 4 stars; one submission).

Conditions:
Congenital myasthenic syndrome 20. Also called: Myasthenic syndrome, congenital, 20, presynaptic. Identifiers: MedGen C4310694, MONDO:0014939, OMIM 617143.
Neuronopathy, distal hereditary motor, type 7A. Also called: HARPER-YOUNG MYOPATHY; HMN VIIA; SPINAL MUSCULAR ATROPHY, DISTAL, WITH VOCAL CORD PARALYSIS; Neuronopathy, distal hereditary motor, autosomal dominant 7; NEURONOPATHY, DISTAL HEREDITARY MOTOR, HARDING TYPE VIIA; NEUROPATHY, DISTAL HEREDITARY MOTOR, HARDING TYPE VIIA. Identifiers: Orphanet 139589, MedGen C1834703, MONDO:0008024, OMIM 158580.

Allele frequency attached by ClinVar (database versions not stated): gnomAD exomes below 0.00001; ExAC 0.00001; gnomAD 0.00001; 1000 Genomes Project 0.00020; 1000 Genomes Project 30x 0.00031.
gnomAD v4.1: 1 of 1,613,984 alleles (0.000062%); highest among the groups gnomAD compares: South Asian, 0.0011%; no homozygotes.

Submission:

Labcorp Genetics (formerly Invitae), Labcorp
Classification: Uncertain significance for Neuronopathy, distal hereditary motor, type 7A; Congenital myasthenic syndrome 20. Last evaluated: 2023-04-06. Review status: criteria provided, single submitter. Criteria: Invitae Variant Classification Sherloc (09022015). Collection method: clinical testing. Allele origin: germline.
Comment: This sequence change replaces methionine, which is neutral and non-polar, with threonine, which is neutral and polar, at codon 395 of the SLC5A7 protein (p.Met395Thr). This variant is present in population databases (rs556748289, gnomAD 0.003%). This variant has not been reported in the literature in individuals affected with SLC5A7-related conditions. ClinVar contains an entry for this variant (Variation ID: 1039657). Advanced modeling of protein sequence and biophysical properties (such as structural, functional, and spatial information, amino acid conservation, physicochemical variation, residue mobility, and thermodynamic stability) performed at Invitae indicates that this missense variant is not expected to disrupt SLC5A7 protein function. In summary, the available evidence is currently insufficient to determine the role of this variant in disease. Therefore, it has been classified as a Variant of Uncertain Significance.